The following is an entry in ClinVar:

NM_001365276.2(TNXB):c.9871T>G (p.Ser3291Ala)

Gene: TNXB (tenascin XB; minus strand). Cytogenetic location: 6p21.33.
Variant type: single nucleotide variant.
Coding change: c.9871T>G on transcript NM_001365276.2 (MANE Select); coding-DNA position 9871, T replaced by G.
Protein change: p.Ser3291Ala; replaces serine 3291 with alanine.
Molecular consequence: missense variant.
Genome position (GRCh38, 1-based): chr6:32,048,537, A>C on the plus strand (T>G on the coding strand, the complement: TNXB is on the minus strand). VCF-style: chr6-32048537-A-C. GRCh37 (hg19) VCF-style: chr6-32016314-A-C.
Other names: c.10612T>G, p.Ser3538Ala (NM_001428335.1); c.9865T>G, p.Ser3289Ala (NM_019105.8); short protein forms S3289A, S3538A, S3291A.
Identifiers: ClinVar variation 3459763 (VCV003459763.1).

ClinVar aggregate classification (germline): Uncertain significance (1 of 4 stars; one submission).

Conditions:
Cardiovascular phenotype. Identifiers: MedGen CN230736.

gnomAD v4.1: 2 of 1,589,934 alleles (0.00013%); highest among the groups gnomAD compares: African/African-American, 0.0013%; no homozygotes.

Submission:

Ambry Genetics
Classification: Uncertain significance for Cardiovascular phenotype. Last evaluated: 2024-07-25. Review status: criteria provided, single submitter. Criteria: Ambry Variant Classification Scheme 2023. Collection method: clinical testing. Allele origin: germline.
Comment: The p.S3289A variant (also known as c.9865T>G), located in coding exon 28 of the TNXB gene, results from a T to G substitution at nucleotide position 9865. The serine at codon 3289 is replaced by alanine, an amino acid with similar properties. This amino acid position is conserved. In addition, this alteration is predicted to be tolerated by in silico analysis. Based on the available evidence, the clinical significance of this variant remains unclear.